The following is an entry in ClinVar:

NM_000053.4(ATP7B):c.4185G>C (p.Leu1395=)

Gene: ATP7B (ATPase copper transporting beta; minus strand). Cytogenetic location: 13q14.3.
Variant type: single nucleotide variant.
Coding change: c.4185G>C on transcript NM_000053.4 (MANE Select); coding-DNA position 4185, G replaced by C.
Protein change: p.Leu1395=; no amino-acid change (leucine 1395 retained).
Molecular consequence: synonymous variant.
Genome position (GRCh38, 1-based): chr13:51,934,969, C>G on the plus strand (G>C on the coding strand, the complement: ATP7B is on the minus strand). VCF-style: chr13-51934969-C-G. GRCh37 (hg19) VCF-style: chr13-52509105-C-G.
Other names: c.3564G>C, p.Leu1188= (NM_001005918.3); c.3852G>C, p.Leu1284= (NM_001243182.2); c.3951G>C, p.Leu1317= (NM_001330578.2); c.3933G>C, p.Leu1311= (NM_001330579.2).
Identifiers: ClinVar variation 312377 (VCV000312377.19), dbSNP rs368801566, ClinGen allele CA10644746.
Genomic context (GRCh38, chr13:51,934,969, plus strand): 5'-CCTGGGGGAGTCCCGCCACCTGTCATCCATGCCTATGTGCACACTGACCTGGGATGCCGT[C>G]AGGGGCTTCATGTGGCCATGCGCCTGTGCCTCATACCTCTCCAGGTCAGGCTTCTTATAG-3'
Protein context (NP_000044.2, residues 1385-1405): EAQAHGHMKP[Leu1395=]TASQVSVHIG

ClinVar aggregate classification (germline): Conflicting classifications of pathogenicity. Review status: criteria provided, conflicting classifications (1 of 4 stars). 7 submissions from 7 submitters: Uncertain significance (1); Likely benign (6). Last evaluated 2026-09-12.

Conditions:
ATP7B-related disorder. Also called: ATP7B-related condition.
Wilson disease (WND). Also called: Wilson's disease. Identifiers: Orphanet 905, MedGen C0019202, MONDO:0010200, OMIM 277900. Disease mechanism: loss of function.

Allele frequency attached by ClinVar (database versions not stated): TOPMed 0.00001; 1000 Genomes Project 30x 0.00016; 1000 Genomes Project 0.00020.
gnomAD v4.1: 19 of 1,614,074 alleles (0.0012%); highest among the groups gnomAD compares: Non-Finnish European, 0.0016%; no homozygotes.

Submissions (7):

PreventionGenetics, part of Exact Sciences
Classification: Likely benign for ATP7B-related condition. Last evaluated: 2026-09-12. Review status: criteria provided, single submitter. Criteria: ACMG Guidelines, 2015. Collection method: clinical testing. Allele origin: germline.
Comment: This variant is classified as likely benign based on ACMG/AMP sequence variant interpretation guidelines (Richards et al. 2015 PMID: 25741868, with internal and published modifications).

Labcorp Genetics (formerly Invitae), Labcorp
Classification: Likely benign for Wilson disease. Last evaluated: 2024-08-16. Review status: criteria provided, single submitter. Criteria: Invitae Variant Classification Sherloc (09022015). Collection method: clinical testing. Allele origin: germline.

All of Us Research Program, National Institutes of Health
Classification: Likely benign for Wilson disease. Last evaluated: 2023-12-13. Review status: criteria provided, single submitter. Criteria: ACMG Guidelines, 2015. Collection method: clinical testing. Allele origin: germline. Inheritance: Autosomal recessive inheritance. Observed: 6 variant alleles, 6 heterozygotes.
Comment: This study involves interpretation of variants in research participants for the purpose of population health screening. Participant phenotype was not available at the time of variant classification. Additional details can be found in publication PMID: 35346344, PMCID: PMC8962531

Women's Health and Genetics/Laboratory Corporation of America, LabCorp
Classification: Likely benign. Last evaluated: 2022-11-01. Review status: criteria provided, single submitter. Criteria: LabCorp Variant Classification Summary - May 2015. Collection method: clinical testing. Allele origin: germline.

Color Diagnostics, LLC DBA Color Health
Classification: Likely benign for Wilson disease. Last evaluated: 2022-08-02. Review status: criteria provided, single submitter. Criteria: ACMG Guidelines, 2015. Collection method: clinical testing. Allele origin: germline.

Genome-Nilou Lab
Classification: Likely benign for Wilson disease. Last evaluated: 2021-08-10. Review status: criteria provided, single submitter. Criteria: ACMG Guidelines, 2015. Collection method: clinical testing. Allele origin: germline. Affected: no.

Illumina Laboratory Services, Illumina
Classification: Uncertain significance for Wilson disease. Last evaluated: 2018-01-13. Review status: criteria provided, single submitter. Criteria: ICSL Variant Classification Criteria 13 December 2019. Collection method: clinical testing. Allele origin: germline.